The following is an entry in ClinVar:

NM_000069.3(CACNA1S):c.5335T>G (p.Cys1779Gly)

Gene: CACNA1S (calcium voltage-gated channel subunit alpha1 S; minus strand). Cytogenetic location: 1q32.1.
Variant type: single nucleotide variant.
Coding change: c.5335T>G on transcript NM_000069.3 (MANE Select); coding-DNA position 5335, T replaced by G.
Protein change: p.Cys1779Gly; replaces cysteine 1779 with glycine.
Molecular consequence: missense variant.
Genome position (GRCh38, 1-based): chr1:201,040,266, A>C on the plus strand (T>G on the coding strand, the complement: CACNA1S is on the minus strand). VCF-style: chr1-201040266-A-C. GRCh37 (hg19) VCF-style: chr1-201009394-A-C.
Other names: c.5335T>G (NM_000069.2); short protein forms C1779G.
Identifiers: ClinVar variation 1371611 (VCV001371611.4), dbSNP rs370520150, ClinGen allele CA35989531.
Genomic context (GRCh38, chr1:201,040,266, plus strand): 5'-TGCTGTGACCCAGCCCCTGGCTCACCTTTTGGATCAGCAGGGCTGTAGCTGGTGCTGAGC[A>C]CCTGGAAGTATTCTCCCTGGTGCTCCTGCTGTGGGGTGTCTCCTCATGAAGAGACCCTGG-3'
Protein context (NP_000060.2, residues 1769-1789): SRSTRENTSR[Cys1779Gly]SAPATALLIQ

ClinVar aggregate classification (germline): Uncertain significance. Review status: criteria provided, multiple submitters, no conflicts (2 of 4 stars). 2 submissions from 2 submitters: Uncertain significance (2). Last evaluated 2025-02-22.

Conditions:
Inborn genetic diseases. Identifiers: MedGen C0950123, MeSH D030342.
Malignant hyperthermia, susceptibility to, 5 (MHS5). Also called: CACNA1S-Related Malignant Hyperthermia Susceptibility. Identifiers: Orphanet 423, MedGen C1866077, MONDO:0011163, OMIM 601887.
Hypokalemic periodic paralysis, type 1. Also called: HypoPP; Hypokalemic Periodic Paralysis Type 1 (AD). Identifiers: Orphanet 681, MedGen C3714580, MONDO:0042979, OMIM 170400.

Submissions (2):

Ambry Genetics
Classification: Uncertain significance for Inborn genetic diseases. Last evaluated: 2025-02-22. Review status: criteria provided, single submitter. Criteria: Ambry Variant Classification Scheme 2023. Collection method: clinical testing. Allele origin: germline.

Labcorp Genetics (formerly Invitae), Labcorp
Classification: Uncertain significance for Hypokalemic periodic paralysis, type 1; Malignant hyperthermia, susceptibility to, 5. Last evaluated: 2022-05-22. Review status: criteria provided, single submitter. Criteria: Invitae Variant Classification Sherloc (09022015). Collection method: clinical testing. Allele origin: germline.
Comment: This sequence change replaces cysteine, which is neutral and slightly polar, with glycine, which is neutral and non-polar, at codon 1779 of the CACNA1S protein (p.Cys1779Gly). This variant is not present in population databases (gnomAD no frequency). This variant has not been reported in the literature in individuals affected with CACNA1S-related conditions. Advanced modeling of protein sequence and biophysical properties (such as structural, functional, and spatial information, amino acid conservation, physicochemical variation, residue mobility, and thermodynamic stability) performed at Invitae indicates that this missense variant is not expected to disrupt CACNA1S protein function. In summary, the available evidence is currently insufficient to determine the role of this variant in disease. Therefore, it has been classified as a Variant of Uncertain Significance.